The following is an entry in ClinVar:

NM_001903.5(CTNNA1):c.228G>A (p.Gly76=)

Gene: CTNNA1 (catenin alpha 1; plus strand). Cytogenetic location: 5q31.2.
Variant type: single nucleotide variant.
Coding change: c.228G>A on transcript NM_001903.5 (MANE Select); coding-DNA position 228, G replaced by A.
Protein change: p.Gly76=; no amino-acid change (glycine 76 retained).
Molecular consequence: synonymous variant. On other transcripts: intron variant (2).
Genome position (GRCh38, 1-based): chr5:138,783,299, G>A. VCF-style: chr5-138783299-G-A. GRCh37 (hg19) VCF-style: chr5-138118988-G-A.
Other names: c.228G>A, p.Gly76= (NM_001290307.3, NM_001323982.2, NM_001323983.1 and 3 more transcripts); c.-6+27G>A (NM_001290310.3); c.-9+1270G>A (NM_001290309.3).
Identifiers: ClinVar variation 701796 (VCV000701796.13), dbSNP rs776106481, ClinGen allele CA3431379.
Genomic context (GRCh38, chr5:138,783,299, plus strand): 5'-GAAGGCCCATGTTTTGGCTGCATCTGTTGAACAAGCAACTGAGAATTTCTTGGAGAAGGG[G>A]GATAAAATTGCGAAGGAGAGCCAGTTTCTCAAGGAGGAGCTTGTGGCTGCTGTAGAAGAT-3'
Protein context (NP_001894.2, residues 66-86): EQATENFLEK[Gly76=]DKIAKESQFL

ClinVar aggregate classification (germline): Conflicting classifications of pathogenicity. Review status: criteria provided, conflicting classifications (1 of 4 stars). 4 submissions from 4 submitters: Uncertain significance (1); Benign (2); Likely benign (1). Last evaluated 2025-12-26.

Conditions:
Hereditary cancer-predisposing syndrome. Also called: Neoplastic Syndromes, Hereditary; Hereditary neoplastic syndrome; Hereditary Cancer Syndrome; Tumor predisposition. Identifiers: Orphanet 140162, MedGen C0027672, MeSH D009386, MONDO:0015356.
Hereditary diffuse gastric adenocarcinoma (HDGC). Also called: DIFFUSE GASTRIC AND LOBULAR BREAST CANCER SYNDROME. Identifiers: Orphanet 26106, MedGen C1708349, MONDO:0007648, OMIM 137215.

Allele frequency attached by ClinVar (database versions not stated): gnomAD exomes 0.00001; ExAC 0.00002; gnomAD 0.00003; TOPMed 0.00003.
gnomAD v4.1: 4 of 1,613,946 alleles (0.00025%); highest among the groups gnomAD compares: African/African-American, 0.0053%; no homozygotes.

Submissions (4):

Labcorp Genetics (formerly Invitae), Labcorp
Classification: Likely benign. Last evaluated: 2025-12-26. Review status: criteria provided, single submitter. Criteria: Invitae Variant Classification Sherloc (09022015). Collection method: clinical testing. Allele origin: germline.

Myriad Genetics, Inc.
Classification: Benign for Hereditary diffuse gastric adenocarcinoma. Last evaluated: 2024-10-09. Review status: criteria provided, single submitter. Criteria: Myriad Autosomal Dominant, Autosomal Recessive and X-Linked Classification Criteria (2023). Collection method: clinical testing. Allele origin: unknown.
Comment: This variant is considered benign. This variant is a silent/synonymous amino acid change and it is not expected to impact splicing.

Blueprint Genetics
Classification: Uncertain significance. Last evaluated: 2022-04-08. Review status: criteria provided, single submitter. Criteria: ACMG Guidelines, 2015. Collection method: clinical testing. Allele origin: germline.

Ambry Genetics
Classification: Benign for Hereditary cancer-predisposing syndrome. Last evaluated: 2021-12-17. Review status: criteria provided, single submitter. Criteria: Ambry Variant Classification Scheme 2023. Collection method: clinical testing. Allele origin: germline.